The following is an entry in ClinVar:

ClinVar aggregate classification (germline): Uncertain significance (1 of 4 stars; one submission).

Conditions:
Ehlers-Danlos syndrome, classic type, 1 (EDSCL1). Also called: EHLERS-DANLOS SYNDROME, GRAVIS TYPE; EHLERS-DANLOS SYNDROME, SEVERE CLASSIC TYPE; Ehlers-Danlos syndrome, type 1; Ehlers-Danlos Syndrome, Classic Type, COL5A1-Related; EDS I. Identifiers: MedGen C0268335, MONDO:0019567, OMIM 130000.

gnomAD v4.1: 1 of 1,613,706 alleles (0.000062%); highest among the groups gnomAD compares: Non-Finnish European, 0.000085%; no homozygotes.

Submission:

Labcorp Genetics (formerly Invitae), Labcorp
Classification: Uncertain significance for Ehlers-Danlos syndrome, classic type, 1. Last evaluated: 2024-05-02. Review status: criteria provided, single submitter. Criteria: Invitae Variant Classification Sherloc (09022015). Collection method: clinical testing. Allele origin: germline.
Comment: This sequence change replaces proline, which is neutral and non-polar, with arginine, which is basic and polar, at codon 593 of the COL5A2 protein (p.Pro593Arg). This variant is present in population databases (rs776671435, gnomAD 0.0009%). This missense change has been observed in individual(s) with clinical features of Ehlers-Danlos syndrome (Invitae). Advanced modeling of protein sequence and biophysical properties (such as structural, functional, and spatial information, amino acid conservation, physicochemical variation, residue mobility, and thermodynamic stability) performed at Invitae indicates that this missense variant is not expected to disrupt COL5A2 protein function with a negative predictive value of 80%. In summary, the available evidence is currently insufficient to determine the role of this variant in disease. Therefore, it has been classified as a Variant of Uncertain Significance.

NM_000393.5(COL5A2):c.1778C>G (p.Pro593Arg)

Gene: COL5A2 (collagen type V alpha 2 chain; minus strand). Cytogenetic location: 2q32.2.
Variant type: single nucleotide variant.
Coding change: c.1778C>G on transcript NM_000393.5 (MANE Select); coding-DNA position 1778, C replaced by G.
Protein change: p.Pro593Arg; replaces proline 593 with arginine.
Molecular consequence: missense variant.
Genome position (GRCh38, 1-based): chr2:189,063,263, G>C on the plus strand (C>G on the coding strand, the complement: COL5A2 is on the minus strand). VCF-style: chr2-189063263-G-C. GRCh37 (hg19) VCF-style: chr2-189927989-G-C.
Other names: short protein forms P593R.
Identifiers: ClinVar variation 3681291 (VCV003681291.2).